The following is an entry in ClinVar:

ClinVar aggregate classification (germline): Uncertain significance (1 of 4 stars; one submission).

Conditions:
Dilated cardiomyopathy 1O (CMD1O). Also called: CARDIOMYOPATHY, DILATED, WITH VENTRICULAR TACHYCARDIA. Identifiers: Orphanet 154, MedGen C1837839, MONDO:0012062, OMIM 608569.

Allele frequency attached by ClinVar (database versions not stated): gnomAD exomes below 0.00001.
gnomAD v4.1: 1 of 1,614,028 alleles (0.000062%); highest among the groups gnomAD compares: Non-Finnish European, 0.000085%; no homozygotes.

Submission:

Labcorp Genetics (formerly Invitae), Labcorp
Classification: Uncertain significance for Dilated cardiomyopathy 1O. Last evaluated: 2023-08-20. Review status: criteria provided, single submitter. Criteria: Invitae Variant Classification Sherloc (09022015). Collection method: clinical testing. Allele origin: germline.
Comment: Advanced modeling of protein sequence and biophysical properties (such as structural, functional, and spatial information, amino acid conservation, physicochemical variation, residue mobility, and thermodynamic stability) performed at Invitae indicates that this missense variant is not expected to disrupt ABCC9 protein function. This variant has not been reported in the literature in individuals affected with ABCC9-related conditions. This variant is not present in population databases (gnomAD no frequency). This sequence change replaces valine, which is neutral and non-polar, with isoleucine, which is neutral and non-polar, at codon 1144 of the ABCC9 protein (p.Val1144Ile). Algorithms developed to predict the effect of sequence changes on RNA splicing suggest that this variant may disrupt the consensus splice site. In summary, the available evidence is currently insufficient to determine the role of this variant in disease. Therefore, it has been classified as a Variant of Uncertain Significance.

NM_020297.4(ABCC9):c.3430G>A (p.Val1144Ile)

Gene: ABCC9 (ATP binding cassette subfamily C member 9; minus strand). Cytogenetic location: 12p12.1.
Variant type: single nucleotide variant.
Coding change: c.3430G>A on transcript NM_020297.4 (MANE Select); coding-DNA position 3430, G replaced by A.
Protein change: p.Val1144Ile; replaces valine 1144 with isoleucine.
Molecular consequence: missense variant.
Genome position (GRCh38, 1-based): chr12:21,842,357, C>T on the plus strand (G>A on the coding strand, the complement: ABCC9 is on the minus strand). VCF-style: chr12-21842357-C-T. GRCh37 (hg19) VCF-style: chr12-21995291-C-T.
Other names: c.3430G>A, p.Val1144Ile (NM_001377273.1, NM_005691.4); c.2563G>A, p.Val855Ile (NM_001377274.1); short protein forms V855I, V1144I.
Identifiers: ClinVar variation 2754172 (VCV002754172.3), dbSNP rs2541055423, ClinGen allele CA384140831.